The following is an entry in ClinVar:

ClinVar aggregate classification (germline): Likely benign. Review status: criteria provided, multiple submitters, no conflicts (2 of 4 stars). 6 submissions from 6 submitters: Likely benign (5). 1 of the submissions does not count toward it. Last evaluated 2026-01-25.

Conditions:
Familial thoracic aortic aneurysm and aortic dissection (TAAD). Also called: Thoracic aortic aneurysms and dissections. Identifiers: Orphanet 91387, MedGen C4707243, MONDO:0019625.
Aortic aneurysm, familial thoracic 4 (AAT4). Also called: AORTIC ANEURYSM/AORTIC DISSECTION AND PATENT DUCTUS ARTERIOSUS. Identifiers: MedGen C1851504, MONDO:0007568, OMIM 132900.
MYH11-related disorder. Also called: MYH11-related condition.

Allele frequency attached by ClinVar (database versions not stated): gnomAD 0.00001 and 0.00003; TOPMed 0.00001; ExAC 0.00002; gnomAD exomes 0.00002 and 0.00007; 1000 Genomes Project 30x 0.00031; 1000 Genomes Project 0.00040.
gnomAD v4.1: 100 of 1,614,072 alleles (0.0062%); highest among the groups gnomAD compares: Non-Finnish European, 0.0082%; no homozygotes.

Submissions (6):

Labcorp Genetics (formerly Invitae), Labcorp
Classification: Likely benign for Aortic aneurysm, familial thoracic 4. Last evaluated: 2026-01-25. Review status: criteria provided, single submitter. Criteria: Invitae Variant Classification Sherloc (09022015). Collection method: clinical testing. Allele origin: germline.

All of Us Research Program, National Institutes of Health
Classification: Likely benign for Familial thoracic aortic aneurysm and aortic dissection. Last evaluated: 2023-11-20. Review status: criteria provided, single submitter. Criteria: ACMG Guidelines, 2015. Collection method: clinical testing. Allele origin: germline. Inheritance: Autosomal dominant inheritance. Observed: 4 variant alleles, 4 heterozygotes.
Comment: This study involves interpretation of variants in research participants for the purpose of population health screening. Participant phenotype was not available at the time of variant classification. Additional details can be found in publication PMID: 35346344, PMCID: PMC8962531

Ambry Genetics
Classification: Likely benign for Familial thoracic aortic aneurysm and aortic dissection. Last evaluated: 2022-03-23. Review status: criteria provided, single submitter. Criteria: Ambry Variant Classification Scheme 2023. Collection method: clinical testing. Allele origin: germline.

Color Diagnostics, LLC DBA Color Health
Classification: Likely benign for Familial thoracic aortic aneurysm and aortic dissection. Last evaluated: 2019-01-07. Review status: criteria provided, single submitter. Criteria: ACMG Guidelines, 2015. Collection method: clinical testing. Allele origin: germline.

GeneDx
Classification: Likely benign. Last evaluated: 2017-03-20. Review status: criteria provided, single submitter. Criteria: GeneDx Variant Classification (06012015). Collection method: clinical testing. Allele origin: germline. Affected: yes.
Comment: This variant is considered likely benign or benign based on one or more of the following criteria: it is a conservative change, it occurs at a poorly conserved position in the protein, it is predicted to be benign by multiple in silico algorithms, and/or has population frequency not consistent with disease.

PreventionGenetics, part of Exact Sciences
Classification: Likely benign for MYH11-related condition. Last evaluated: 2019-07-30. Review status: no assertion criteria provided. Collection method: clinical testing. Allele origin: germline. Not counted in ClinVar's aggregate classification.
Comment: This variant is classified as likely benign based on ACMG/AMP sequence variant interpretation guidelines (Richards et al. 2015 PMID: 25741868, with internal and published modifications).

NM_002474.3(MYH11):c.5760G>A (p.Glu1920=)

Genes: NDE1 (nudE neurodevelopment protein 1; plus strand), MYH11 (myosin heavy chain 11; minus strand). Cytogenetic location: 16p13.11.
Variant type: single nucleotide variant.
Coding change: c.5760G>A on transcript NM_002474.3 (MANE Select); coding-DNA position 5760, G replaced by A.
Protein change: p.Glu1920=; no amino-acid change (glutamic acid 1920 retained).
Molecular consequence: synonymous variant. On other transcripts: intron variant (2).
Genome position (GRCh38, 1-based): chr16:15,714,935, C>T on the plus strand (G>A on the coding strand, the complement: MYH11 is on the minus strand). VCF-style: chr16-15714935-C-T. GRCh37 (hg19) VCF-style: chr16-15808792-C-T.
Other names: c.5781G>A, p.Glu1927= (NM_001040113.2, NM_001040114.2); c.5760G>A, p.Glu1920= (NM_022844.3); c.948-9256C>T (NM_001143979.2, NM_017668.3).
Identifiers: ClinVar variation 517788 (VCV000517788.17), dbSNP rs199997929, ClinGen allele CA7921148.